The following is an entry in ClinVar:

ClinVar aggregate classification (germline): Uncertain significance (1 of 4 stars; one submission).

Conditions:
Diamond-Blackfan anemia. Also called: Blackfan Diamond syndrome; Aregenerative anemia chronic congenital; Red cell aplasia, pure hereditary; Congenital hypoplastic anemia; Aase syndrome. Identifiers: Orphanet 124, MedGen C1260899, MeSH D029503, MONDO:0015253, HP:0004810.

Allele frequency attached by ClinVar (database versions not stated): gnomAD 0.00001.
gnomAD v4.1: 8 of 1,600,962 alleles (0.0005%); highest among the groups gnomAD compares: East Asian, 0.0022%; no homozygotes.

Submission:

Labcorp Genetics (formerly Invitae), Labcorp
Classification: Uncertain significance for Diamond-Blackfan anemia. Last evaluated: 2023-08-04. Review status: criteria provided, single submitter. Criteria: Invitae Variant Classification Sherloc (09022015). Collection method: clinical testing. Allele origin: germline.
Comment: In summary, the available evidence is currently insufficient to determine the role of this variant in disease. Therefore, it has been classified as a Variant of Uncertain Significance. An algorithm developed to predict the effect of missense changes on protein structure and function (PolyPhen-2) suggests that this variant is likely to be tolerated. This variant has not been reported in the literature in individuals affected with RPL11-related conditions. The frequency data for this variant in the population databases is considered unreliable, as metrics indicate poor data quality at this position in the gnomAD database. This sequence change replaces arginine, which is basic and polar, with leucine, which is neutral and non-polar, at codon 146 of the RPL11 protein (p.Arg146Leu).

NM_000975.5(RPL11):c.437G>T (p.Arg146Leu)

Gene: RPL11 (ribosomal protein L11; plus strand). Cytogenetic location: 1p36.11.
Variant type: single nucleotide variant.
Coding change: c.437G>T on transcript NM_000975.5 (MANE Select); coding-DNA position 437, G replaced by T.
Protein change: p.Arg146Leu; replaces arginine 146 with leucine.
Molecular consequence: missense variant.
Genome position (GRCh38, 1-based): chr1:23,695,838, G>T. VCF-style: chr1-23695838-G-T. GRCh37 (hg19) VCF-style: chr1-24022328-G-T.
Other names: c.434G>T, p.Arg145Leu (NM_001199802.1); short protein forms R146L, R145L.
Identifiers: ClinVar variation 3003094 (VCV003003094.3), dbSNP rs770776620, ClinGen allele CA338994477.